The following is an entry in ClinVar:

ClinVar aggregate classification (germline): Benign (0 of 4 stars; one submission).

Conditions:
KALRN-related disorder. Also called: KALRN-related condition.

Allele frequency attached by ClinVar (database versions not stated): ExAC 0.00489; gnomAD 0.01520; ESP Exome Variant Server 0.01592; TOPMed 0.01713; 1000 Genomes Project 0.02416; 1000 Genomes Project 30x 0.02545.
gnomAD v4.1: 4,521 of 1,614,068 alleles (0.28%); highest among the groups gnomAD compares: African/African-American, 5.3%; 103 homozygotes.

Submission:

PreventionGenetics, part of Exact Sciences
Classification: Benign for KALRN-related condition. Last evaluated: 2019-05-27. Review status: no assertion criteria provided. Collection method: clinical testing. Allele origin: germline.
Comment: This variant is classified as benign based on ACMG/AMP sequence variant interpretation guidelines (Richards et al. 2015 PMID: 25741868, with internal and published modifications).

NM_001388419.1(KALRN):c.3430-4A>T

Gene: KALRN (kalirin RhoGEF kinase; plus strand). Cytogenetic location: 3q21.2.
Variant type: single nucleotide variant.
Coding change: c.3430-4A>T on transcript NM_001388419.1 (MANE Select); 4 bases into the intron before coding-DNA position 3430, A replaced by T.
Molecular consequence: intron variant.
Genome position (GRCh38, 1-based): chr3:124,446,759, A>T. VCF-style: chr3-124446759-A-T. GRCh37 (hg19) VCF-style: chr3-124165606-A-T.
Other names: c.3430-4A>T (NM_001388417.1); c.3403-4A>T (NM_001388418.1); c.3424-4A>T (NM_001024660.5, NM_001322988.2, NM_003947.6); c.3274-4A>T (NM_001322992.2); c.3397-4A>T (NM_001322989.2); c.3385-4A>T (NM_001322990.2); c.3358-4A>T (NM_001322991.2); c.1501-4A>T (NM_001388412.1, NM_001388413.1); and 3 more.
Identifiers: ClinVar variation 3037337 (VCV003037337.2), dbSNP rs77701768, ClinGen allele CA2579773.